The following is an entry in ClinVar:

NM_152296.5(ATP1A3):c.205G>A (p.Ala69Thr)

Gene: ATP1A3 (ATPase Na+/K+ transporting subunit alpha 3; minus strand). Cytogenetic location: 19q13.2.
Variant type: single nucleotide variant.
Coding change: c.205G>A on transcript NM_152296.5 (MANE Select); coding-DNA position 205, G replaced by A.
Protein change: p.Ala69Thr; replaces alanine 69 with threonine.
Molecular consequence: missense variant.
Genome position (GRCh38, 1-based): chr19:41,988,088, C>T on the plus strand (G>A on the coding strand, the complement: ATP1A3 is on the minus strand). VCF-style: chr19-41988088-C-T. GRCh37 (hg19) VCF-style: chr19-42492240-C-T.
Other names: c.238G>A, p.Ala80Thr (NM_001256213.2); c.244G>A, p.Ala82Thr (NM_001256214.2); short protein forms A69T, A80T, A82T.
Identifiers: ClinVar variation 4699134 (VCV004699134.1).

ClinVar aggregate classification (germline): Uncertain significance (1 of 4 stars; one submission).

Conditions:
Dystonia 12 (DYT12). Also called: Rapid-Onset Dystonia-Parkinsonism (RDP); DYT-ATP1A3. Identifiers: Orphanet 71517, MedGen C1868681, MONDO:0007496, OMIM 128235.

gnomAD v4.1: 2 of 1,614,116 alleles (0.00012%); highest among the groups gnomAD compares: Non-Finnish European, 0.000085%; no homozygotes.

Submission:

Labcorp Genetics (formerly Invitae), Labcorp
Classification: Uncertain significance for Dystonia 12. Last evaluated: 2025-03-10. Review status: criteria provided, single submitter. Criteria: Invitae Variant Classification Sherloc (09022015). Collection method: clinical testing. Allele origin: germline.
Comment: This sequence change replaces alanine, which is neutral and non-polar, with threonine, which is neutral and polar, at codon 69 of the ATP1A3 protein (p.Ala69Thr). This variant is not present in population databases (gnomAD no frequency). This variant has not been reported in the literature in individuals affected with ATP1A3-related conditions. Invitae Evidence Modeling of protein sequence and biophysical properties (such as structural, functional, and spatial information, amino acid conservation, physicochemical variation, residue mobility, and thermodynamic stability) has been performed for this missense variant. However, the output from this modeling did not meet the statistical confidence thresholds required to predict the impact of this variant on ATP1A3 protein function. In summary, the available evidence is currently insufficient to determine the role of this variant in disease. Therefore, it has been classified as a Variant of Uncertain Significance.